The following is an entry in ClinVar:

ClinVar aggregate classification (germline): Uncertain significance (1 of 4 stars; one submission).

Submission:

GeneDx
Classification: Uncertain significance. Last evaluated: 2024-04-18. Review status: criteria provided, single submitter. Criteria: GeneDx Variant Classification Process June 2021. Collection method: clinical testing. Allele origin: germline. Affected: yes.
Comment: Not observed at significant frequency in large population cohorts (gnomAD); In silico analysis indicates that this missense variant does not alter protein structure/function; Has not been previously published as pathogenic or benign to our knowledge

NM_014991.6(WDFY3):c.9775C>G (p.Pro3259Ala)

Gene: WDFY3 (WD repeat and FYVE domain containing 3; minus strand). Cytogenetic location: 4q21.23.
Variant type: single nucleotide variant.
Coding change: c.9775C>G on transcript NM_014991.6 (MANE Select); coding-DNA position 9775, C replaced by G.
Protein change: p.Pro3259Ala; replaces proline 3259 with alanine.
Molecular consequence: missense variant.
Genome position (GRCh38, 1-based): chr4:84,682,422, G>C on the plus strand (C>G on the coding strand, the complement: WDFY3 is on the minus strand). VCF-style: chr4-84682422-G-C. GRCh37 (hg19) VCF-style: chr4-85603575-G-C.
Other names: short protein forms P3259A.
Identifiers: ClinVar variation 3372742 (VCV003372742.1).
Genomic context (GRCh38, chr4:84,682,422, plus strand): 5'-AGTATTAAATACCTATTTGTGCTTCTGGACAGTCTTCCTGCATTTCTAGGACTTCAGCAG[G>C]CTCAGGAGCTGGTGTTTCAGGAACTTGCAAAAATTCCATTCTCCAAAACTAAATTTAAAT-3'
Protein context (NP_055806.2, residues 3249-3269): LQVPETPAPE[Pro3259Ala]AEVLEMQEDC